The following is an entry in ClinVar:

NM_004006.3(DMD):c.3975A>G (p.Ile1325Met)

Gene: DMD (dystrophin; minus strand). Cytogenetic location: Xp21.1.
Variant type: single nucleotide variant.
Coding change: c.3975A>G on transcript NM_004006.3 (MANE Select); coding-DNA position 3975, A replaced by G.
Protein change: p.Ile1325Met; replaces isoleucine 1325 with methionine.
Molecular consequence: missense variant.
Genome position (GRCh38, 1-based): chrX:32,438,337, T>C on the plus strand (A>G on the coding strand, the complement: DMD is on the minus strand). VCF-style: chrX-32438337-T-C. GRCh37 (hg19) VCF-style: chrX-32456454-T-C.
Other names: c.3951A>G, p.Ile1317Met (NM_000109.4); c.3963A>G, p.Ile1321Met (NM_004009.3); c.3606A>G, p.Ile1202Met (NM_004010.3); short protein forms I1202M, I1321M, I1325M, I1317M.
Identifiers: ClinVar variation 2697563 (VCV002697563.3), dbSNP rs2524073552, ClinGen allele CA412669406.

ClinVar aggregate classification (germline): Uncertain significance (1 of 4 stars; one submission).

Conditions:
Duchenne muscular dystrophy (DMD). Also called: MUSCULAR DYSTROPHY, PSEUDOHYPERTROPHIC PROGRESSIVE, DUCHENNE TYPE; Duchenne Muscular Dystrophy (DMD). Identifiers: Orphanet 98896, MedGen C0013264, MONDO:0010679, OMIM 310200.

Submission:

Labcorp Genetics (formerly Invitae), Labcorp
Classification: Uncertain significance for Duchenne muscular dystrophy. Last evaluated: 2023-11-20. Review status: criteria provided, single submitter. Criteria: Invitae Variant Classification Sherloc (09022015). Collection method: clinical testing. Allele origin: germline.
Comment: This sequence change replaces isoleucine, which is neutral and non-polar, with methionine, which is neutral and non-polar, at codon 1325 of the DMD protein (p.Ile1325Met). This variant is not present in population databases (gnomAD no frequency). This variant has not been reported in the literature in individuals affected with DMD-related conditions. Advanced modeling of protein sequence and biophysical properties (such as structural, functional, and spatial information, amino acid conservation, physicochemical variation, residue mobility, and thermodynamic stability) performed at Invitae indicates that this missense variant is not expected to disrupt DMD protein function with a negative predictive value of 95%. In summary, the available evidence is currently insufficient to determine the role of this variant in disease. Therefore, it has been classified as a Variant of Uncertain Significance.